The following is an entry in ClinVar:

ClinVar aggregate classification (germline): Conflicting classifications of pathogenicity. Review status: criteria provided, conflicting classifications (1 of 4 stars). 3 submissions from 3 submitters: Uncertain significance (2); Likely benign (1). Last evaluated 2025-04-30.

Conditions:
Inborn genetic diseases. Identifiers: MedGen C0950123, MeSH D030342.

Allele frequency attached by ClinVar (database versions not stated): ExAC 0.00002; TOPMed 0.00005; gnomAD 0.00006.
gnomAD v4.1: 40 of 1,613,916 alleles (0.0025%); highest among the groups gnomAD compares: Admixed American, 0.028%; no homozygotes.

Submissions (3):

Ambry Genetics
Classification: Uncertain significance for Inborn genetic diseases. Last evaluated: 2025-04-30. Review status: criteria provided, single submitter. Criteria: Ambry Variant Classification Scheme 2023. Collection method: clinical testing. Allele origin: germline.
Comment: Unlikely to be causative of autosomal dominant SPTBN2-related spinocerebellar ataxia (AD) Based on insufficient or conflicting evidence, the clinical significance of this alteration remains unclear.

Labcorp Genetics (formerly Invitae), Labcorp
Classification: Likely benign. Last evaluated: 2022-07-13. Review status: criteria provided, single submitter. Criteria: Invitae Variant Classification Sherloc (09022015). Collection method: clinical testing. Allele origin: germline.

Genetic Services Laboratory, University of Chicago
Classification: Uncertain significance. Last evaluated: 2016-09-09. Review status: criteria provided, single submitter. Criteria: ACMG Guidelines, 2015. Collection method: clinical testing. Allele origin: germline. Affected: no.

NM_006946.4(SPTBN2):c.6755G>A (p.Arg2252His)

Gene: SPTBN2 (spectrin beta, non-erythrocytic 2; minus strand). Cytogenetic location: 11q13.2.
Variant type: single nucleotide variant.
Coding change: c.6755G>A on transcript NM_006946.4 (MANE Select); coding-DNA position 6755, G replaced by A.
Protein change: p.Arg2252His; replaces arginine 2252 with histidine.
Molecular consequence: missense variant.
Genome position (GRCh38, 1-based): chr11:66,687,135, C>T on the plus strand (G>A on the coding strand, the complement: SPTBN2 is on the minus strand). VCF-style: chr11-66687135-C-T. GRCh37 (hg19) VCF-style: chr11-66454606-C-T.
Other names: short protein forms R2252H.
Identifiers: ClinVar variation 436851 (VCV000436851.12), dbSNP rs529514462, ClinGen allele CA6127793.